The following is an entry in ClinVar:

NM_000059.4(BRCA2):c.9089C>G (p.Thr3030Arg)

Gene: BRCA2 (BRCA2 DNA repair associated; plus strand). Cytogenetic location: 13q13.1.
Variant type: single nucleotide variant.
Coding change: c.9089C>G on transcript NM_000059.4 (MANE Select); coding-DNA position 9089, C replaced by G.
Protein change: p.Thr3030Arg; replaces threonine 3030 with arginine.
Molecular consequence: missense variant.
Genome position (GRCh38, 1-based): chr13:32,379,885, C>G. VCF-style: chr13-32379885-C-G. GRCh37 (hg19) VCF-style: chr13-32954022-C-G.
Other names: short protein forms T3030R.
Identifiers: ClinVar variation 822999 (VCV000822999.6), dbSNP rs587781792, ClinGen allele CA387757641.

ClinVar aggregate classification (germline): Conflicting classifications of pathogenicity. Review status: criteria provided, conflicting classifications (1 of 4 stars). 2 submissions from 2 submitters: Uncertain significance (1); Likely benign (1). Last evaluated 2025-05-16.

Conditions:
Hereditary cancer-predisposing syndrome. Also called: Tumor predisposition; Hereditary Cancer Syndrome; Neoplastic Syndromes, Hereditary; Hereditary neoplastic syndrome. Identifiers: Orphanet 140162, MedGen C0027672, MeSH D009386, MONDO:0015356.

Submissions (2):

Ambry Genetics
Classification: Likely benign for Hereditary cancer-predisposing syndrome. Last evaluated: 2025-05-16. Review status: criteria provided, single submitter. Criteria: Ambry Variant Classification Scheme 2023. Collection method: clinical testing. Allele origin: germline.

Women's Health and Genetics/Laboratory Corporation of America, LabCorp
Classification: Uncertain significance. Last evaluated: 2019-05-24. Review status: criteria provided, single submitter. Criteria: LabCorp Variant Classification Summary - May 2015. Collection method: clinical testing. Allele origin: germline.
Comment: Variant summary: BRCA2 c.9089C>G (p.Thr3030Arg) results in a non-conservative amino acid change of the encoded protein sequence. Five of five in-silico tools predict a damaging effect of the variant on protein function. The variant was absent in 245952 control chromosomes. The available data on variant occurrences in the general population are insufficient to allow any conclusion about variant significance. To our knowledge, no occurrence of c.9089C>G in individuals affected with Hereditary Breast and Ovarian Cancer and no experimental evidence demonstrating its impact on protein function have been reported. No clinical diagnostic laboratories have submitted clinical-significance assessments for this variant to ClinVar after 2014. Based on the evidence outlined above, the variant was classified as uncertain significance.